The following is an entry in ClinVar:

NM_025137.4(SPG11):c.1892A>G (p.Glu631Gly)

Gene: SPG11 (SPG11 vesicle trafficking associated, spatacsin; minus strand). Cytogenetic location: 15q21.1.
Variant type: single nucleotide variant.
Coding change: c.1892A>G on transcript NM_025137.4 (MANE Select); coding-DNA position 1892, A replaced by G.
Protein change: p.Glu631Gly; replaces glutamic acid 631 with glycine.
Molecular consequence: missense variant.
Genome position (GRCh38, 1-based): chr15:44,628,844, T>C on the plus strand (A>G on the coding strand, the complement: SPG11 is on the minus strand). VCF-style: chr15-44628844-T-C. GRCh37 (hg19) VCF-style: chr15-44921042-T-C.
Other names: c.1892A>G, p.Glu631Gly (NM_001160227.2, NM_001411132.1); short protein forms E631G.
Identifiers: ClinVar variation 2090009 (VCV002090009.1), dbSNP rs2505598095, ClinGen allele CA392234440.
Genomic context (GRCh38, chr15:44,628,844, plus strand): 5'-CGAAGTTCATTAATGTAGCTAGTCAAAATGTTCACTCCTTTTTGCAGATGTTCATCTAGT[T>C]CTATGGAAAATACCAATGTGCCAATTTGTGTGTGTGTGTGTAAATATAAACCATGAGCTG-3'
Protein context (NP_079413.3, residues 621-641): QIKELFIHTE[Glu631Gly]LDEHLQKGVN

ClinVar aggregate classification (germline): Uncertain significance (1 of 4 stars; one submission).

Conditions:
Hereditary spastic paraplegia 11. Also called: Spastic paraplegia, mental retardation and thin corpus callosum; Spastic Paraplegia 11; Nakamura Osame syndrome; Autosomal recessive hereditary spastic paraplegia, mental impairment, and thin corpus callosum; SPASTIC PARAPLEGIA, AUTOSOMAL RECESSIVE, COMPLICATED, WITH THIN CORPUS CALLOSUM; SPASTIC PARAPLEGIA, AUTOSOMAL RECESSIVE, WITH MENTAL IMPAIRMENT AND THIN CORPUS CALLOSUM. Identifiers: Orphanet 2822, MedGen C1858479, MONDO:0011445, OMIM 604360.

Submission:

Labcorp Genetics (formerly Invitae), Labcorp
Classification: Uncertain significance for Hereditary spastic paraplegia 11. Last evaluated: 2022-01-26. Review status: criteria provided, single submitter. Criteria: Invitae Variant Classification Sherloc (09022015). Collection method: clinical testing. Allele origin: germline.
Comment: This sequence change replaces glutamic acid, which is acidic and polar, with glycine, which is neutral and non-polar, at codon 631 of the SPG11 protein (p.Glu631Gly). This variant is not present in population databases (gnomAD no frequency). This variant has not been reported in the literature in individuals affected with SPG11-related conditions. Algorithms developed to predict the effect of missense changes on protein structure and function output the following: SIFT: "Tolerated"; PolyPhen-2: "Probably Damaging"; Align-GVGD: "Class C0". The glycine amino acid residue is found in multiple mammalian species, which suggests that this missense change does not adversely affect protein function. In summary, the available evidence is currently insufficient to determine the role of this variant in disease. Therefore, it has been classified as a Variant of Uncertain Significance.